The following is an entry in ClinVar:

NM_000350.3(ABCA4):c.4253+13G>A

Gene: ABCA4 (ATP binding cassette subfamily A member 4; minus strand). Cytogenetic location: 1p22.1.
Variant type: single nucleotide variant.
Coding change: c.4253+13G>A on transcript NM_000350.3 (MANE Select); 13 bases into the intron after coding-DNA position 4253, G replaced by A.
Molecular consequence: intron variant.
Genome position (GRCh38, 1-based): chr1:94,030,983, C>T on the plus strand (G>A on the coding strand, the complement: ABCA4 is on the minus strand). VCF-style: chr1-94030983-C-T. GRCh37 (hg19) VCF-style: chr1-94496539-C-T.
Identifiers: ClinVar variation 298240 (VCV000298240.16), dbSNP rs145766145, ClinGen allele CA957679.

ClinVar aggregate classification (germline): Likely benign. Review status: reviewed by expert panel (3 of 4 stars). 5 submissions from 5 submitters: Likely benign (1). 4 of the submissions do not count toward it. Last evaluated 2026-05-26.

Conditions:
ABCA4-related retinopathy. Also called: ABCA4 retinoapthy; ABCA4-related retinoapthy. Identifiers: MedGen CN322612, MONDO:0800406.
ABCA4-related disorder. Also called: ABCA4-related disorders; ABCA4-related condition. Identifiers: MedGen CN239167.

Allele frequency attached by ClinVar (database versions not stated): gnomAD 0.00202 and 0.00168; ExAC 0.00252; TOPMed 0.00276; gnomAD exomes 0.00295; 1000 Genomes Project 30x 0.00812; 1000 Genomes Project 0.00819; ESP Exome Variant Server 0.00008.
gnomAD v4.1: 1,645 of 1,613,780 alleles (0.1%); highest among the groups gnomAD compares: East Asian, 2.1%; 16 homozygotes.

Submissions (5):

ClinGen ABCA4 Variant Curation Expert Panel, Clingen
Classification: Likely benign for ABCA4-related retinopathy. Last evaluated: 2026-05-26. Review status: reviewed by expert panel. Criteria: ClinGen ABCA4 ACMG Specifications V1.0.0. Collection method: curation. Allele origin: germline. Inheritance: Autosomal recessive inheritance.
Comment: The NM_000350.3:c.4253+13G>A variant in ABCA4 is an intronic variant within intron 28. The GroupMax filtering allele frequency in gnomAD v4.1.0 for this variant is 0.01952, which is greater than the ClinGen ABCA4 VCEP’s threshold for BS1 (>0.0163). This intronic variant is not located within either of the regions immediately flanking the exon (between +1 and +7 or between -1 and -21) and SpliceAI gives it a delta score of 0.03 for donor loss, which is below the ClinGen ABCA4 VCEP BP7 threshold of <0.1 meeting BP7_Moderate. In summary, this variant meets the criteria to be classified as likely benign for ABCA4-related retinopathy based on the ACMG/AMP criteria applied, as specified by the ClinGen ABCA4 VCEP (Specification Version 1.0.0): BS1, BP7_Moderate.

Labcorp Genetics (formerly Invitae), Labcorp
Classification: Benign. Last evaluated: 2026-01-24. Review status: criteria provided, single submitter. Criteria: Invitae Variant Classification Sherloc (09022015). Collection method: clinical testing. Allele origin: germline. Not counted in ClinVar's aggregate classification.

Blueprint Genetics
Classification: Likely benign. Last evaluated: 2024-11-15. Review status: criteria provided, single submitter. Criteria: ACMG Guidelines, 2015. Collection method: clinical testing. Allele origin: germline. Not counted in ClinVar's aggregate classification.

Illumina Laboratory Services, Illumina
Classification: Likely benign for ABCA4-Related Disorders. Last evaluated: 2017-04-27. Review status: criteria provided, single submitter. Criteria: ICSL Variant Classification Criteria 13 December 2019. Collection method: clinical testing. Allele origin: germline. Not counted in ClinVar's aggregate classification.
Comment: This variant was observed as part of a predisposition screen in an ostensibly healthy population. A literature search was performed for the gene, cDNA change, and amino acid change (where applicable). No publications were found based on this search. Allele frequency data from public databases allowed determination this variant is unlikely to cause disease. Therefore, this variant is classified as likely benign.

GeneDx
Classification: Likely benign. Last evaluated: 2016-02-17. Review status: criteria provided, single submitter. Criteria: GeneDx Variant Classification (06012015). Collection method: clinical testing. Allele origin: germline. Affected: yes. Not counted in ClinVar's aggregate classification.
Comment: This variant is considered likely benign or benign based on one or more of the following criteria: it is a conservative change, it occurs at a poorly conserved position in the protein, it is predicted to be benign by multiple in silico algorithms, and/or has population frequency not consistent with disease.